The following is an entry in ClinVar:

NM_172364.5(CACNA2D4):c.1589_1593del (p.Val530fs)

Gene: CACNA2D4 (calcium voltage-gated channel auxiliary subunit alpha2delta 4; minus strand). Cytogenetic location: 12p13.33.
Variant type: Deletion.
Coding change: c.1589_1593del on transcript NM_172364.5 (MANE Select); coding-DNA positions 1589 to 1593, 5 bases deleted (TGGTG; older notation c.1589_1593delTGGTG).
Protein change: p.Val530fs; shifts the reading frame from valine 530.
Molecular consequence: frameshift variant.
Genome position (GRCh38, 1-based): chr12:1,879,007-1,879,011, CACCA deleted on the plus strand (TGGTG on the coding strand, the reverse complement: CACNA2D4 is on the minus strand); deleting any 5 consecutive bases within chr12:1,879,007-1,879,015 gives the same sequence; the c. name uses the placement nearest the transcript's 3' end. VCF-style (leftmost placement, unchanged base first): chr12-1879006-CCACCA-C. GRCh37 (hg19) VCF-style: chr12-1988172-CCACCA-C.
Other names: short protein forms V530fs.
Identifiers: ClinVar variation 813027 (VCV000813027.8), dbSNP rs772592088, ClinGen allele CA6387070.
Genomic context (GRCh38, chr12:1,879,006, plus strand): 5'-CCAGGCTCACCTTGTACCGGGGCGCCAGCTTCATCAGCTCTCTCAGGGCCACATCTGAGC[CCACCA>C]CACCCAGGAGAATGCCATGGGATCGCTGGAAGGAAAGACACAAGGGGTGGGGGAGACCCA-3'

ClinVar aggregate classification (germline): Conflicting classifications of pathogenicity. Review status: criteria provided, conflicting classifications (1 of 4 stars). 3 submissions from 3 submitters: Pathogenic (1); Likely pathogenic (1); Uncertain significance (1). Last evaluated 2025-03-17.

Conditions:
CACNA2D4-related disorder. Also called: CACNA2D4-related condition.
Retinitis pigmentosa (RP). Identifiers: Orphanet 791, MedGen C0035334, MeSH D012174, MONDO:0019200, OMIM 268000. Inheritance: Autosomal dominant, autosomal recessive and X linked inheritance.

Submissions (3):

Labcorp Genetics (formerly Invitae), Labcorp
Classification: Uncertain significance. Last evaluated: 2025-03-17. Review status: criteria provided, single submitter. Criteria: Invitae Variant Classification Sherloc (09022015). Collection method: clinical testing. Allele origin: germline.
Comment: This sequence change creates a premature translational stop signal (p.Val530Glyfs*54) in the CACNA2D4 gene. It is expected to result in an absent or disrupted protein product. However, the current clinical and genetic evidence is not sufficient to establish whether loss-of-function variants in CACNA2D4 cause disease. This variant is present in population databases (rs772592088, gnomAD 0.003%). This premature translational stop signal has been observed in individual(s) with retinitis pigmentosa (PMID: 32531858). ClinVar contains an entry for this variant (Variation ID: 813027). In summary, the available evidence is currently insufficient to determine the role of this variant in disease. Therefore, it has been classified as a Variant of Uncertain Significance.

Blueprint Genetics
Classification: Likely pathogenic for CACNA2D4-related disorders. Last evaluated: 2022-09-28. Review status: criteria provided, single submitter. Criteria: ACMG Guidelines, 2015. Collection method: clinical testing. Allele origin: germline. Affected: yes. Observed: 2 variant alleles.

Molecular Genetics Laboratory, Institute for Ophthalmic Research
Classification: Pathogenic for Retinitis pigmentosa. Last evaluated: 2020-01-09. Review status: criteria provided, single submitter. Criteria: ACMG Guidelines, 2015. Collection method: research. Allele origin: germline. Affected: yes.

Literature cited by the submitters: PubMed 32531858 (cited by Labcorp Genetics (formerly Invitae), Labcorp).